The following is an entry in ClinVar:

ClinVar aggregate classification (germline): Benign/Likely benign. Review status: criteria provided, multiple submitters, no conflicts (2 of 4 stars). 5 submissions from 5 submitters: Benign (1); Likely benign (4). Last evaluated 2025-09-27.

Conditions:
Coffin-Siris syndrome 1 (CSS1). Also called: Mental retardation, autosomal dominant 12; ARID1B-Related Coffin-Siris Syndrome. Identifiers: Orphanet 1465, MedGen C3281201, MONDO:0007617, OMIM 135900. Disease mechanism: gain of function.

Allele frequency attached by ClinVar (database versions not stated): 1000 Genomes Project 0.00100; gnomAD 0.00001 and 0.00008; TOPMed 0.00003; ExAC 0.00032; 1000 Genomes Project 30x 0.00078.
gnomAD v4.1: 233 of 1,614,130 alleles (0.014%); highest among the groups gnomAD compares: South Asian, 0.22%; 1 homozygote.

Submissions (5):

Labcorp Genetics (formerly Invitae), Labcorp
Classification: Benign. Last evaluated: 2025-09-27. Review status: criteria provided, single submitter. Criteria: Invitae Variant Classification Sherloc (09022015). Collection method: clinical testing. Allele origin: germline.

Blueprint Genetics
Classification: Likely benign. Last evaluated: 2024-11-18. Review status: criteria provided, single submitter. Criteria: ACMG Guidelines, 2015. Collection method: clinical testing. Allele origin: germline.

CeGaT Center for Human Genetics Tuebingen
Classification: Likely benign. Last evaluated: 2023-01-01. Review status: criteria provided, single submitter. Criteria: CeGaT Center For Human Genetics Tuebingen Variant Classification Criteria Version 2. Collection method: clinical testing. Allele origin: germline. Affected: yes. Observed: 1 variant allele.
Comment: ARID1B: BP4, BP7

Fulgent Genetics
Classification: Likely benign for Coffin-Siris syndrome 1. Last evaluated: 2022-01-24. Review status: criteria provided, single submitter. Criteria: ACMG Guidelines, 2015. Collection method: clinical testing. Allele origin: unknown.

Genetic Services Laboratory, University of Chicago
Classification: Likely benign. Last evaluated: 2015-09-29. Review status: criteria provided, single submitter. Criteria: ACMG Guidelines, 2015. Collection method: clinical testing. Allele origin: germline. Affected: no.

NM_001374828.1(ARID1B):c.3588C>T (p.Val1196=)

Gene: ARID1B (AT-rich interaction domain 1B; plus strand). Cytogenetic location: 6q25.3.
Variant type: single nucleotide variant.
Coding change: c.3588C>T on transcript NM_001374828.1 (MANE Select); coding-DNA position 3588, C replaced by T.
Protein change: p.Val1196=; no amino-acid change (valine 1196 retained).
Molecular consequence: synonymous variant.
Genome position (GRCh38, 1-based): chr6:157,181,052, C>T. VCF-style: chr6-157181052-C-T. GRCh37 (hg19) VCF-style: chr6-157502186-C-T.
Other names: c.3219C>T, p.Val1073= (NM_020732.3); c.1089C>T, p.Val363= (NM_001363725.2); c.3468C>T, p.Val1156= (NM_001371656.1, NM_001374820.1); c.3429C>T, p.Val1143= (NM_017519.3).
Identifiers: ClinVar variation 434359 (VCV000434359.36), dbSNP rs371828409, ClinGen allele CA4067349.